The following is an entry in ClinVar:

NM_000478.6(ALPL):c.1412_1429del (p.Leu471_Glu476del)

Gene: ALPL (alkaline phosphatase, biomineralization associated; plus strand). Cytogenetic location: 1p36.12.
Variant type: Deletion.
Coding change: c.1412_1429del on transcript NM_000478.6 (MANE Select); coding-DNA positions 1412 to 1429, 18 bases deleted (TGCACGGCGTCCACGAGC).
Protein change: p.Leu471_Glu476del.
Genome position (GRCh38, 1-based): chr1:21,577,485-21,577,502, TGCACGGCGTCCACGAGC deleted; deleting any 18 consecutive bases within chr1:21,577,483-21,577,502 gives the same sequence; the c. name uses the placement nearest the transcript's 3' end. VCF-style (leftmost placement, unchanged base first): chr1-21577482-TGCTGCACGGCGTCCACGA-T. GRCh37 (hg19) VCF-style: chr1-21903975-TGCTGCACGGCGTCCACGA-T.
Other names: c.1247_1264del, p.Leu416_Glu421del (NM_001127501.4); c.1181_1198del, p.Leu394_Glu399del (NM_001177520.3); c.1412_1429del, p.Leu471_Glu476del (NM_001369803.2, NM_001369804.2, NM_001369805.2).
Identifiers: ClinVar variation 3897703 (VCV003897703.2).

ClinVar aggregate classification (germline): Uncertain significance. Review status: criteria provided, multiple submitters, no conflicts (2 of 4 stars). 2 submissions from 2 submitters: Uncertain significance (2). Last evaluated 2025-08-29.

Conditions:
Hypophosphatasia. Also called: Phosphoethanol-aminuria. Identifiers: Orphanet 436, MedGen C0020630, MeSH D007014, MONDO:0018570.

Submissions (2):

Genomenon, Inc
Classification: Uncertain significance for Hypophosphatasia. Last evaluated: 2025-08-29. Review status: criteria provided, single submitter. Criteria: Genomenon Sequence Variant Interpretation Standards. Collection method: curation. Allele origin: germline. Affected: yes.
Comment: ALPL p.Leu471_Glu476del (c.1412_1429del) is an in-frame deletion variant that results in the deletion of multiple amino acids, from Leucine at position 471 to Glutamic acid at position 476. This variant has been observed in at least one proband affected with hypophosphatasia (PMID:29236161). It is absent or not present at a significant frequency in gnomAD. In conclusion, we classify ALPL p.Leu471_Glu476del (c.1412_1429del) as a variant of unknown significance.

JKU Lab, Dept of Paediatrics, Johannes Kepler University
Classification: Uncertain significance for Hypophosphatasia. Last evaluated: 2025-04-24. Review status: criteria provided, single submitter. Criteria: ACMG Guidelines, 2015. Collection method: clinical testing. Allele origin: germline. Affected: yes.
Comment: This in-frame-deletion variant is not present in GnomAD 4.1 and affects a highly conserved amino acid in the homodimeric interface domain. This variant has been reported in the literature in individuals affected with ALPL-related conditions (PMID 29236161, 32973344). The applied ACMG criteria can be viewed at an online resource

Literature cited by the submitters: PubMed 29236161 (cited by Genomenon, Inc and JKU Lab, Dept of Paediatrics, Johannes Kepler University); PubMed 32973344 (cited by JKU Lab, Dept of Paediatrics, Johannes Kepler University).